The following is an entry in ClinVar:

ClinVar aggregate classification (germline): Uncertain significance. Review status: criteria provided, multiple submitters, no conflicts (2 of 4 stars). 3 submissions from 3 submitters: Uncertain significance (3). Last evaluated 2025-04-27.

Conditions:
Cornelia de Lange syndrome 1 (CDLS1). Also called: TYPUS DEGENERATIVUS AMSTELODAMENSIS; Brachmann de Lange syndrome; NIPBL-Related Cornelia de Lange Syndrome. Identifiers: Orphanet 199, MedGen C4551851, MONDO:0007387, OMIM 122470.
NIPBL-related disorder. Also called: NIPBL-related condition.
Inborn genetic diseases. Identifiers: MedGen C0950123, MeSH D030342.

Allele frequency attached by ClinVar (database versions not stated): ExAC 0.00001; gnomAD exomes 0.00001; TOPMed 0.00002.
gnomAD v4.1: 4 of 1,614,130 alleles (0.00025%); highest among the groups gnomAD compares: Admixed American, 0.0067%; no homozygotes.

Submissions (3):

Labcorp Genetics (formerly Invitae), Labcorp
Classification: Uncertain significance for Cornelia de Lange syndrome 1. Last evaluated: 2025-04-27. Review status: criteria provided, single submitter. Criteria: Invitae Variant Classification Sherloc (09022015). Collection method: clinical testing. Allele origin: germline.
Comment: This sequence change replaces lysine, which is basic and polar, with arginine, which is basic and polar, at codon 2583 of the NIPBL protein (p.Lys2583Arg). This variant is present in population databases (rs759578329, gnomAD 0.003%). This variant has not been reported in the literature in individuals affected with NIPBL-related conditions. ClinVar contains an entry for this variant (Variation ID: 2783536). Invitae Evidence Modeling of protein sequence and biophysical properties (such as structural, functional, and spatial information, amino acid conservation, physicochemical variation, residue mobility, and thermodynamic stability) has been performed for this missense variant. However, the output from this modeling did not meet the statistical confidence thresholds required to predict the impact of this variant on NIPBL protein function. In summary, the available evidence is currently insufficient to determine the role of this variant in disease. Therefore, it has been classified as a Variant of Uncertain Significance.

Ambry Genetics
Classification: Uncertain significance for Inborn genetic diseases. Last evaluated: 2025-04-01. Review status: criteria provided, single submitter. Criteria: Ambry Variant Classification Scheme 2023. Collection method: clinical testing. Allele origin: germline.

PreventionGenetics, part of Exact Sciences
Classification: Uncertain significance for NIPBL-related condition. Last evaluated: 2024-10-17. Review status: criteria provided, single submitter. Criteria: ACMG Guidelines, 2015. Collection method: clinical testing. Allele origin: germline.
Comment: The NIPBL c.7748A>G variant is predicted to result in the amino acid substitution p.Lys2583Arg. To our knowledge, this variant has not been reported in the literature. This variant is reported in 0.0029% of alleles in individuals of Latino descent in gnomAD. At this time, the clinical significance of this variant is uncertain due to the absence of conclusive functional and genetic evidence.

NM_133433.4(NIPBL):c.7748A>G (p.Lys2583Arg)

Gene: NIPBL (NIPBL cohesin loading factor; plus strand). Cytogenetic location: 5p13.2.
Variant type: single nucleotide variant.
Coding change: c.7748A>G on transcript NM_133433.4 (MANE Select); coding-DNA position 7748, A replaced by G.
Protein change: p.Lys2583Arg; replaces lysine 2583 with arginine.
Molecular consequence: missense variant.
Genome position (GRCh38, 1-based): chr5:37,060,906, A>G. VCF-style: chr5-37060906-A-G. GRCh37 (hg19) VCF-style: chr5-37061008-A-G.
Other names: c.7748A>G, p.Lys2583Arg (NM_015384.5); c.7748A>G (NM_133433.3); short protein forms K2583R.
Identifiers: ClinVar variation 2783536 (VCV002783536.5), dbSNP rs759578329, ClinGen allele CA3237264.